The following is an entry in ClinVar:

ClinVar aggregate classification (germline): Benign (1 of 4 stars; one submission).

Conditions:
Oligodontia-cancer predisposition syndrome. Also called: TOOTH AGENESIS-COLORECTAL CANCER SYNDROME. Identifiers: Orphanet 300576, MedGen C1837750, MONDO:0012075, OMIM 608615. Disease mechanism: loss of function.

Submission:

Myriad Genetics, Inc.
Classification: Benign for Oligodontia-cancer predisposition syndrome. Last evaluated: 2024-07-03. Review status: criteria provided, single submitter. Criteria: Myriad Autosomal Dominant, Autosomal Recessive and X-Linked Classification Criteria (2023). Collection method: clinical testing. Allele origin: unknown.
Comment: This variant is considered benign. This variant is a silent/synonymous amino acid change and it is not expected to impact splicing.

NM_004655.4(AXIN2):c.1386_1389delinsTCGA (p.Pro462_Arg463=)

Gene: AXIN2 (axin 2; minus strand). Cytogenetic location: 17q24.1.
Variant type: Indel.
Coding change: c.1386_1389delinsTCGA on transcript NM_004655.4 (MANE Select); coding-DNA positions 1386 to 1389, CCGC replaced by TCGA.
Protein change: p.Pro462_Arg463=.
Molecular consequence: synonymous variant.
Genome position (GRCh38, 1-based): chr17:65,537,647-65,537,650, GCGG replaced by TCGA on the plus strand (CCGC replaced by TCGA on the coding strand, the reverse complement: AXIN2 is on the minus strand). VCF-style: chr17-65537647-GCGG-TCGA. GRCh37 (hg19) VCF-style: chr17-63533765-GCGG-TCGA.
Other names: c.1386_1389delinsTCGA, p.Pro462_Arg463= (NM_001363813.1).
Identifiers: ClinVar variation 3379072 (VCV003379072.1).